The following is an entry in ClinVar:

ClinVar aggregate classification (germline): Uncertain significance (1 of 4 stars; one submission).

Allele frequency attached by ClinVar (database versions not stated): gnomAD 0.00003; TOPMed 0.00006; gnomAD exomes 0.00008; ExAC 0.00009.
gnomAD v4.1: 113 of 1,612,906 alleles (0.007%); highest among the groups gnomAD compares: Middle Eastern, 0.017%; no homozygotes.

Submission:

Labcorp Genetics (formerly Invitae), Labcorp
Classification: Uncertain significance. Last evaluated: 2025-12-23. Review status: criteria provided, single submitter. Criteria: Invitae Variant Classification Sherloc (09022015). Collection method: clinical testing. Allele origin: germline.
Comment: This sequence change replaces arginine, which is basic and polar, with cysteine, which is neutral and slightly polar, at codon 1827 of the DSCAML1 protein (p.Arg1827Cys). This variant is present in population databases (rs760547562, gnomAD 0.02%). This variant has not been reported in the literature in individuals affected with DSCAML1-related conditions. ClinVar contains an entry for this variant (Variation ID: 2900939). An algorithm developed to predict the effect of missense changes on protein structure and function (PolyPhen-2) suggests that this variant is likely to be disruptive. In summary, the available evidence is currently insufficient to determine the role of this variant in disease. Therefore, it has been classified as a Variant of Uncertain Significance.

NM_020693.4(DSCAML1):c.5299C>T (p.Arg1767Cys)

Gene: DSCAML1 (DS cell adhesion molecule like 1; minus strand). Cytogenetic location: 11q23.3.
Variant type: single nucleotide variant.
Coding change: c.5299C>T on transcript NM_020693.4 (MANE Select); coding-DNA position 5299, C replaced by T.
Protein change: p.Arg1767Cys; replaces arginine 1767 with cysteine.
Molecular consequence: missense variant.
Genome position (GRCh38, 1-based): chr11:117,431,609, G>A on the plus strand (C>T on the coding strand, the complement: DSCAML1 is on the minus strand). VCF-style: chr11-117431609-G-A. GRCh37 (hg19) VCF-style: chr11-117302325-G-A.
Other names: short protein forms R1767C.
Identifiers: ClinVar variation 2900939 (VCV002900939.3), dbSNP rs760547562, ClinGen allele CA6296107.